The following is an entry in ClinVar:

NM_014633.5(CTR9):c.3211G>A (p.Gly1071Ser)

Gene: CTR9 (CTR9 component of Paf1/RNA polymerase II complex; plus strand). Cytogenetic location: 11p15.4.
Variant type: single nucleotide variant.
Coding change: c.3211G>A on transcript NM_014633.5 (MANE Select); coding-DNA position 3211, G replaced by A.
Protein change: p.Gly1071Ser; replaces glycine 1071 with serine.
Molecular consequence: missense variant.
Genome position (GRCh38, 1-based): chr11:10,778,794, G>A. VCF-style: chr11-10778794-G-A. GRCh37 (hg19) VCF-style: chr11-10800341-G-A.
Other names: c.3139G>A, p.Gly1047Ser (NM_001346279.2); short protein forms G1047S, G1071S.
Identifiers: ClinVar variation 1091039 (VCV001091039.12), dbSNP rs35766432, ClinGen allele CA5885543.
Genomic context (GRCh38, chr11:10,778,794, plus strand): 5'-AAATGTGCCTCATCAGAGAGTGATTCCGATGAGAACCAGAACAAGTCTGGCAGCGAGGCC[G>A]GCAGTCCCCGGAGGCCACGAAGACAGCGGTCAGATCAGGACTCAGACAGTGACCAGCCAT-3'
Protein context (NP_055448.1, residues 1061-1081): ENQNKSGSEA[Gly1071Ser]SPRRPRRQRS

ClinVar aggregate classification (germline): Conflicting classifications of pathogenicity. Review status: criteria provided, conflicting classifications (1 of 4 stars). 4 submissions from 4 submitters: Uncertain significance (1); Likely benign (3). Last evaluated 2026-09-01.

Conditions:
CTR9-related disorder. Also called: CTR9-related condition.

Allele frequency attached by ClinVar (database versions not stated): 1000 Genomes Project 30x 0.00016; 1000 Genomes Project 0.00020; ExAC 0.00038; gnomAD exomes 0.00046 and 0.00105; gnomAD 0.00068 and 0.00071; TOPMed 0.00070; ESP Exome Variant Server 0.00092.
gnomAD v4.1: 1,597 of 1,614,168 alleles (0.099%); highest among the groups gnomAD compares: Non-Finnish European, 0.13%; 1 homozygote.

Submissions (4):

CeGaT Center for Human Genetics Tuebingen
Classification: Likely benign. Last evaluated: 2026-09-01. Review status: criteria provided, single submitter. Criteria: CeGaT Center For Human Genetics Tuebingen Variant Classification Criteria Version 2. Collection method: clinical testing. Allele origin: germline. Affected: yes. Observed: 1 variant allele.
Comment: CTR9: BP4

Labcorp Genetics (formerly Invitae), Labcorp
Classification: Likely benign. Last evaluated: 2025-07-30. Review status: criteria provided, single submitter. Criteria: Invitae Variant Classification Sherloc (09022015). Collection method: clinical testing. Allele origin: germline.

GeneDx
Classification: Uncertain significance. Last evaluated: 2022-04-20. Review status: criteria provided, single submitter. Criteria: GeneDx Variant Classification Process June 2021. Collection method: clinical testing. Allele origin: germline. Affected: yes.
Comment: Observed in individuals with Wilms tumor and an individual with moderate intellectual disability and unilateral kidney agenesis (Hamdan 2014, Hanks 2014); In silico analysis supports that this missense variant does not alter protein structure/function; This variant is associated with the following publications: (PMID: 25356899, 25099282, 30228257)

Department of Pathology and Laboratory Medicine, Sinai Health System
Classification: Likely benign for CTR9-related disorder. Last evaluated: 2021-05-12. Review status: criteria provided, single submitter. Criteria: ACMG Guidelines, 2015. Collection method: research. Allele origin: germline.